The following is an entry in ClinVar:

NM_001142800.2(EYS):c.2077G>A (p.Gly693Arg)

Gene: EYS (EGF-like photoreceptor maintenance factor; minus strand). Cytogenetic location: 6q12.
Variant type: single nucleotide variant.
Coding change: c.2077G>A on transcript NM_001142800.2 (MANE Select); coding-DNA position 2077, G replaced by A.
Protein change: p.Gly693Arg; replaces glycine 693 with arginine.
Molecular consequence: missense variant.
Genome position (GRCh38, 1-based): chr6:65,057,674, C>T on the plus strand (G>A on the coding strand, the complement: EYS is on the minus strand). VCF-style: chr6-65057674-C-T. GRCh37 (hg19) VCF-style: chr6-65767567-C-T.
Other names: c.2077G>A, p.Gly693Arg (NM_001292009.2); short protein forms G693R.
Identifiers: ClinVar variation 909088 (VCV000909088.6), dbSNP rs1258209665, ClinGen allele CA364787654.

ClinVar aggregate classification (germline): Uncertain significance. Review status: criteria provided, multiple submitters, no conflicts (2 of 4 stars). 2 submissions from 2 submitters: Uncertain significance (2). Last evaluated 2024-05-21.

Conditions:
Retinitis pigmentosa (RP). Identifiers: Orphanet 791, MedGen C0035334, MeSH D012174, MONDO:0019200, OMIM 268000. Inheritance: Autosomal dominant, autosomal recessive and X linked inheritance.

Submissions (2):

Labcorp Genetics (formerly Invitae), Labcorp
Classification: Uncertain significance. Last evaluated: 2024-05-21. Review status: criteria provided, single submitter. Criteria: Invitae Variant Classification Sherloc (09022015). Collection method: clinical testing. Allele origin: germline.
Comment: This sequence change replaces glycine, which is neutral and non-polar, with arginine, which is basic and polar, at codon 693 of the EYS protein (p.Gly693Arg). This variant is present in population databases (no rsID available, gnomAD 0.007%). This variant has not been reported in the literature in individuals affected with EYS-related conditions. ClinVar contains an entry for this variant (Variation ID: 909088). Algorithms developed to predict the effect of missense changes on protein structure and function output the following: SIFT: "Not Available"; PolyPhen-2: "Benign"; Align-GVGD: "Not Available". The arginine amino acid residue is found in multiple mammalian species, which suggests that this missense change does not adversely affect protein function. In summary, the available evidence is currently insufficient to determine the role of this variant in disease. Therefore, it has been classified as a Variant of Uncertain Significance.

Illumina Laboratory Services, Illumina
Classification: Uncertain significance for Retinitis pigmentosa. Last evaluated: 2018-01-13. Review status: criteria provided, single submitter. Criteria: ICSL Variant Classification Criteria 13 December 2019. Collection method: clinical testing. Allele origin: germline.